The following is an entry in ClinVar:

NM_000057.4(BLM):c.2556-3T>A

Gene: BLM (BLM RecQ like helicase; plus strand). Cytogenetic location: 15q26.1.
Variant type: single nucleotide variant.
Coding change: c.2556-3T>A on transcript NM_000057.4 (MANE Select); 3 bases into the intron before coding-DNA position 2556, T replaced by A.
Molecular consequence: intron variant.
Genome position (GRCh38, 1-based): chr15:90,782,819, T>A. VCF-style: chr15-90782819-T-A. GRCh37 (hg19) VCF-style: chr15-91326049-T-A.
Other names: c.2556-3T>A (NM_001287246.2, NM_001287247.2); c.1431-3T>A (NM_001287248.2).
Identifiers: ClinVar variation 4721570 (VCV004721570.1).
Genomic context (GRCh38, chr15:90,782,819, plus strand): 5'-ATAACAATACCTAAAGTCATATTTTCTCATAATAACTAAATTTTATGTTTGGGACTTTTT[T>A]AGGTTTAGCATGAGCTTTAACAGACATAATCTGAAATACTATGTATTACCGAAAAAGCCT-3'

ClinVar aggregate classification (germline): Uncertain significance (1 of 4 stars; one submission).

Conditions:
Bloom syndrome (BLM). Also called: Bloom-Torre-Machacek syndrome. Identifiers: Orphanet 125, MedGen C0005859, MONDO:0008876, OMIM 210900.

Submission:

Labcorp Genetics (formerly Invitae), Labcorp
Classification: Uncertain significance for Bloom syndrome. Last evaluated: 2025-06-17. Review status: criteria provided, single submitter. Criteria: Invitae Variant Classification Sherloc (09022015). Collection method: clinical testing. Allele origin: germline.
Comment: This sequence change falls in intron 12 of the BLM gene. It does not directly change the encoded amino acid sequence of the BLM protein. It affects a nucleotide within the consensus splice site. This variant is not present in population databases (gnomAD no frequency). This variant has not been reported in the literature in individuals affected with BLM-related conditions. Variants that disrupt the consensus splice site are a relatively common cause of aberrant splicing (PMID: 17576681, 9536098). Algorithms developed to predict the effect of sequence changes on RNA splicing suggest that this variant may disrupt the consensus splice site. In summary, the available evidence is currently insufficient to determine the role of this variant in disease. Therefore, it has been classified as a Variant of Uncertain Significance.

Literature cited by the submitters: PubMed 17576681; PubMed 9536098.